The following is an entry in ClinVar:

ClinVar aggregate classification (germline): Uncertain significance. Review status: criteria provided, multiple submitters, no conflicts (2 of 4 stars). 2 submissions from 2 submitters: Uncertain significance (2). Last evaluated 2024-05-12.

Conditions:
Inborn genetic diseases. Identifiers: MedGen C0950123, MeSH D030342.

Allele frequency attached by ClinVar (database versions not stated): gnomAD exomes below 0.00001; ExAC 0.00001.

Submissions (2):

Ambry Genetics
Classification: Uncertain significance for Inborn genetic diseases. Last evaluated: 2024-05-12. Review status: criteria provided, single submitter. Criteria: Ambry Variant Classification Scheme 2023. Collection method: clinical testing. Allele origin: germline.

Labcorp Genetics (formerly Invitae), Labcorp
Classification: Uncertain significance. Last evaluated: 2023-08-05. Review status: criteria provided, single submitter. Criteria: Invitae Variant Classification Sherloc (09022015). Collection method: clinical testing. Allele origin: germline.
Comment: This sequence change replaces tyrosine, which is neutral and polar, with phenylalanine, which is neutral and non-polar, at codon 303 of the RUNX2 protein (p.Tyr303Phe). This variant is present in population databases (rs754963913, gnomAD 0.003%). This variant has not been reported in the literature in individuals affected with RUNX2-related conditions. Advanced modeling of protein sequence and biophysical properties (such as structural, functional, and spatial information, amino acid conservation, physicochemical variation, residue mobility, and thermodynamic stability) performed at Invitae indicates that this missense variant is not expected to disrupt RUNX2 protein function. In summary, the available evidence is currently insufficient to determine the role of this variant in disease. Therefore, it has been classified as a Variant of Uncertain Significance.

NM_001024630.4(RUNX2):c.908A>T (p.Tyr303Phe)

Gene: RUNX2 (RUNX family transcription factor 2; plus strand). Cytogenetic location: 6p21.1.
Variant type: single nucleotide variant.
Coding change: c.908A>T on transcript NM_001024630.4 (MANE Select); coding-DNA position 908, A replaced by T.
Protein change: p.Tyr303Phe; replaces tyrosine 303 with phenylalanine.
Molecular consequence: missense variant.
Genome position (GRCh38, 1-based): chr6:45,512,294, A>T. VCF-style: chr6-45512294-A-T. GRCh37 (hg19) VCF-style: chr6-45480031-A-T.
Other names: c.908A>T (NM_001024630.3); c.908A>T, p.Tyr303Phe (NM_001015051.4); c.866A>T, p.Tyr289Phe (NM_001278478.2, NM_001369405.1, NM_004348.3); short protein forms Y303F, Y289F.
Identifiers: ClinVar variation 2795357 (VCV002795357.4), dbSNP rs754963913, ClinGen allele CA3836523.
Genomic context (GRCh38, chr6:45,512,294, plus strand): 5'-TCTTTTTCCCAGACCCCAGGCAGGCACAGTCTTCCCCGCCGTGGTCCTATGACCAGTCTT[A>T]CCCCTCCTACCTGAGCCAGATGACGTCCCCGTCCATCCACTCTACCACCCCGCTGTCTTC-3'
Protein context (NP_001019801.3, residues 293-313): SSPPWSYDQS[Tyr303Phe]PSYLSQMTSP